The following is an entry in ClinVar:

ClinVar aggregate classification (germline): Uncertain significance (1 of 4 stars; one submission).

Conditions:
MHC class II deficiency. Also called: BLS, TYPE II; Bare lymphocyte syndrome 2. Identifiers: Orphanet 572, MedGen C5447452, MONDO:0008855.

Allele frequency attached by ClinVar (database versions not stated): ExAC 0.00001; TOPMed 0.00001; gnomAD exomes 0.00002.

Submission:

Labcorp Genetics (formerly Invitae), Labcorp
Classification: Uncertain significance for MHC class II deficiency. Last evaluated: 2024-01-13. Review status: criteria provided, single submitter. Criteria: Invitae Variant Classification Sherloc (09022015). Collection method: clinical testing. Allele origin: germline.
Comment: This sequence change replaces alanine, which is neutral and non-polar, with glycine, which is neutral and non-polar, at codon 390 of the RFX5 protein (p.Ala390Gly). This variant is present in population databases (rs747657030, gnomAD 0.004%). This variant has not been reported in the literature in individuals affected with RFX5-related conditions. ClinVar contains an entry for this variant (Variation ID: 1377948). An algorithm developed to predict the effect of missense changes on protein structure and function (PolyPhen-2) suggests that this variant is likely to be tolerated. In summary, the available evidence is currently insufficient to determine the role of this variant in disease. Therefore, it has been classified as a Variant of Uncertain Significance.

NM_001025603.2(RFX5):c.1169C>G (p.Ala390Gly)

Gene: RFX5 (regulatory factor X5; minus strand). Cytogenetic location: 1q21.3.
Variant type: single nucleotide variant.
Coding change: c.1169C>G on transcript NM_001025603.2 (MANE Select); coding-DNA position 1169, C replaced by G.
Protein change: p.Ala390Gly; replaces alanine 390 with glycine.
Molecular consequence: missense variant.
Genome position (GRCh38, 1-based): chr1:151,342,868, G>C on the plus strand (C>G on the coding strand, the complement: RFX5 is on the minus strand). VCF-style: chr1-151342868-G-C. GRCh37 (hg19) VCF-style: chr1-151315344-G-C.
Other names: c.1169C>G, p.Ala390Gly (NM_000449.4, NM_001379412.1, NM_001379413.1 and 5 more transcripts); c.1049C>G, p.Ala350Gly (NM_001379419.1, NM_001379420.1); short protein forms A390G, A350G.
Identifiers: ClinVar variation 1377948 (VCV001377948.8), dbSNP rs747657030, ClinGen allele CA1089650.